The following is an entry in ClinVar:

ClinVar aggregate classification (germline): Uncertain significance (1 of 4 stars; one submission).

Conditions:
Chédiak-Higashi syndrome (CHS). Also called: Chediak-Higashi Syndrome. Identifiers: Orphanet 167, MedGen C0007965, MONDO:0008963, OMIM 214500.

Allele frequency attached by ClinVar (database versions not stated): gnomAD 0.00001; gnomAD exomes 0.00002; ExAC 0.00005; ESP Exome Variant Server 0.00008.
gnomAD v4.1: 24 of 1,613,792 alleles (0.0015%); highest among the groups gnomAD compares: Non-Finnish European, 0.0019%; no homozygotes.

Submission:

Labcorp Genetics (formerly Invitae), Labcorp
Classification: Uncertain significance for Chédiak-Higashi syndrome. Last evaluated: 2022-09-06. Review status: criteria provided, single submitter. Criteria: Invitae Variant Classification Sherloc (09022015). Collection method: clinical testing. Allele origin: germline.
Comment: This sequence change replaces arginine, which is basic and polar, with histidine, which is basic and polar, at codon 968 of the LYST protein (p.Arg968His). This variant is present in population databases (rs150482928, gnomAD 0.006%). This variant has not been reported in the literature in individuals affected with LYST-related conditions. ClinVar contains an entry for this variant (Variation ID: 938812). Algorithms developed to predict the effect of missense changes on protein structure and function output the following: SIFT: "Tolerated"; PolyPhen-2: "Benign"; Align-GVGD: "Class C0". The histidine amino acid residue is found in multiple mammalian species, which suggests that this missense change does not adversely affect protein function. In summary, the available evidence is currently insufficient to determine the role of this variant in disease. Therefore, it has been classified as a Variant of Uncertain Significance.

NM_000081.4(LYST):c.2903G>A (p.Arg968His)

Gene: LYST (lysosomal trafficking regulator; minus strand). Cytogenetic location: 1q42.3.
Variant type: single nucleotide variant.
Coding change: c.2903G>A on transcript NM_000081.4 (MANE Select); coding-DNA position 2903, G replaced by A.
Protein change: p.Arg968His; replaces arginine 968 with histidine.
Molecular consequence: missense variant.
Genome position (GRCh38, 1-based): chr1:235,806,233, C>T on the plus strand (G>A on the coding strand, the complement: LYST is on the minus strand). VCF-style: chr1-235806233-C-T. GRCh37 (hg19) VCF-style: chr1-235969533-C-T.
Other names: c.2903G>A, p.Arg968His (NM_001301365.1); short protein forms R968H.
Identifiers: ClinVar variation 938812 (VCV000938812.3), dbSNP rs150482928, ClinGen allele CA1467185.
Genomic context (GRCh38, chr1:235,806,233, plus strand): 5'-CGGAAACCACCAAGCCTATAAAACTGTTTCTGGAACACTGAACTCAACATGTAGATCCAA[C>T]GACACATAGACCAAATGTCTGCTGCTTGGTGCATATGTTCAGGAGAAGGCAAGACAAGGC-3'
Protein context (NP_000072.2, residues 958-978): HQAADIWSMC[Arg968His]WIYMLSSVFQ